The following is an entry in ClinVar:

NM_001999.4(FBN2):c.3280G>A (p.Gly1094Arg)

Gene: FBN2 (fibrillin 2; minus strand). Cytogenetic location: 5q23.3.
Variant type: single nucleotide variant.
Coding change: c.3280G>A on transcript NM_001999.4 (MANE Select); coding-DNA position 3280, G replaced by A.
Protein change: p.Gly1094Arg; replaces glycine 1094 with arginine.
Molecular consequence: missense variant.
Genome position (GRCh38, 1-based): chr5:128,344,448, C>T on the plus strand (G>A on the coding strand, the complement: FBN2 is on the minus strand). VCF-style: chr5-128344448-C-T. GRCh37 (hg19) VCF-style: chr5-127680140-C-T.
Other names: short protein forms G1094R.
Identifiers: ClinVar variation 458755 (VCV000458755.19), dbSNP rs758659538, ClinGen allele CA3395277.

ClinVar aggregate classification (germline): Conflicting classifications of pathogenicity. Review status: criteria provided, conflicting classifications (1 of 4 stars). 5 submissions from 5 submitters: Uncertain significance (2); Likely benign (1). 2 of the submissions do not count toward it. Last evaluated 2024-11-19.

Conditions:
Congenital contractural arachnodactyly (CCA). Also called: Beals-Hecht syndrome; BEALS SYNDROME; Arthrogryposis, distal, type 9. Identifiers: Orphanet 115, MedGen C0220668, MONDO:0007363, OMIM 121050.

Allele frequency attached by ClinVar (database versions not stated): gnomAD exomes below 0.00001 and 0.00001; ExAC 0.00001.
gnomAD v4.1: 6 of 1,613,382 alleles (0.00037%); highest among the groups gnomAD compares: South Asian, 0.0011%; no homozygotes.

Submissions (5):

GeneDx
Classification: Uncertain significance. Last evaluated: 2024-11-19. Review status: criteria provided, single submitter. Criteria: GeneDx Variant Classification Process June 2021. Collection method: clinical testing. Allele origin: germline. Affected: yes.
Comment: Has not been previously published as pathogenic or benign to our knowledge; Not observed at significant frequency in large population cohorts (gnomAD); In silico analysis supports that this missense variant has a deleterious effect on protein structure/function; Although located in a calcium-binding EGF-like domain of the FBN2 gene, it does not substitute or introduce a cysteine residue (PMID: 19006240, 18767143); This variant is associated with the following publications: (PMID: 19006240, 18767143)

Labcorp Genetics (formerly Invitae), Labcorp
Classification: Likely benign for Congenital contractural arachnodactyly. Last evaluated: 2023-05-22. Review status: criteria provided, single submitter. Criteria: Invitae Variant Classification Sherloc (09022015). Collection method: clinical testing. Allele origin: germline.

Revvity Omics, Revvity
Classification: Uncertain significance. Last evaluated: 2019-08-28. Review status: criteria provided, single submitter. Criteria: ACMG Guidelines, 2015. Collection method: clinical testing. Allele origin: germline.

Genome Diagnostics Laboratory, Amsterdam University Medical Center
Classification: Uncertain significance. Review status: no assertion criteria provided. Collection method: clinical testing. Allele origin: germline. Affected: yes. Study: VKGL Data-share Consensus. Not counted in ClinVar's aggregate classification.

Laboratory of Diagnostic Genome Analysis, Leiden University Medical Center (LUMC)
Classification: Uncertain significance. Review status: no assertion criteria provided. Collection method: clinical testing. Allele origin: germline. Affected: yes. Study: VKGL Data-share Consensus. Not counted in ClinVar's aggregate classification.